The following is an entry in ClinVar:

NM_001130144.3(LTBP3):c.1685G>A (p.Arg562His)

Gene: LTBP3 (latent transforming growth factor beta binding protein 3; minus strand). Cytogenetic location: 11q13.1.
Variant type: single nucleotide variant.
Coding change: c.1685G>A on transcript NM_001130144.3 (MANE Select); coding-DNA position 1685, G replaced by A.
Protein change: p.Arg562His; replaces arginine 562 with histidine.
Molecular consequence: missense variant.
Genome position (GRCh38, 1-based): chr11:65,551,161, C>T on the plus strand (G>A on the coding strand, the complement: LTBP3 is on the minus strand). VCF-style: chr11-65551161-C-T. GRCh37 (hg19) VCF-style: chr11-65318632-C-T.
Other names: c.1334G>A, p.Arg445His (NM_001164266.1); c.1685G>A, p.Arg562His (NM_021070.4); short protein forms R445H, R562H.
Identifiers: ClinVar variation 4101331 (VCV004101331.2).

ClinVar aggregate classification (germline): Uncertain significance (1 of 4 stars; one submission).

Conditions:
Inborn genetic diseases. Identifiers: MedGen C0950123, MeSH D030342.

gnomAD v4.1: 3 of 1,553,732 alleles (0.00019%); highest among the groups gnomAD compares: Admixed American, 0.0019%; no homozygotes.

Submission:

Ambry Genetics
Classification: Uncertain significance for Inborn genetic diseases. Last evaluated: 2026-09-14. Review status: criteria provided, single submitter. Criteria: Ambry Variant Classification Scheme 2023. Collection method: clinical testing. Allele origin: germline.
Comment: The p.R562H variant (also known as c.1685G>A), located in coding exon 11 of the LTBP3 gene, results from a G to A substitution at nucleotide position 1685. The arginine at codon 562 is replaced by histidine, an amino acid with highly similar properties. This amino acid position is conserved. In addition, the in silico prediction for this alteration is inconclusive. Based on the available evidence, the clinical significance of this variant remains unclear.